The following is an entry in ClinVar:

ClinVar aggregate classification (germline): Likely benign. Review status: criteria provided, single submitter (1 of 4 stars). 2 submissions from 2 submitters: Likely benign (1). 1 of the submissions does not count toward it. Last evaluated 2025-08-04.

Conditions:
CSF3R-related disorder. Also called: CSF3R-related condition.
Autosomal recessive severe congenital neutropenia due to CSF3R deficiency. Also called: Neutropenia, severe congenital, 7, autosomal recessive. Identifiers: Orphanet 420702, MedGen C4310764, MONDO:0014865, OMIM 617014.

Allele frequency attached by ClinVar (database versions not stated): ExAC 0.00009; gnomAD 0.00010 and 0.00011; TOPMed 0.00010; ESP Exome Variant Server 0.00015; 1000 Genomes Project 30x 0.00016; 1000 Genomes Project 0.00020; gnomAD exomes 0.00008.
gnomAD v4.1: 62 of 1,614,208 alleles (0.0038%); highest among the groups gnomAD compares: South Asian, 0.032%; no homozygotes.

Submissions (2):

Labcorp Genetics (formerly Invitae), Labcorp
Classification: Likely benign for Autosomal recessive severe congenital neutropenia due to CSF3R deficiency. Last evaluated: 2025-08-04. Review status: criteria provided, single submitter. Criteria: Invitae Variant Classification Sherloc (09022015). Collection method: clinical testing. Allele origin: germline.

PreventionGenetics, part of Exact Sciences
Classification: Likely benign for CSF3R-related condition. Last evaluated: 2024-02-20. Review status: no assertion criteria provided. Collection method: clinical testing. Allele origin: germline. Not counted in ClinVar's aggregate classification.
Comment: This variant is classified as likely benign based on ACMG/AMP sequence variant interpretation guidelines (Richards et al. 2015 PMID: 25741868, with internal and published modifications).

NM_000760.4(CSF3R):c.1242C>T (p.Ala414=)

Gene: CSF3R (colony stimulating factor 3 receptor; minus strand). Cytogenetic location: 1p34.3.
Variant type: single nucleotide variant.
Coding change: c.1242C>T on transcript NM_000760.4 (MANE Select); coding-DNA position 1242, C replaced by T.
Protein change: p.Ala414=; no amino-acid change (alanine 414 retained).
Molecular consequence: synonymous variant.
Genome position (GRCh38, 1-based): chr1:36,471,476, G>A on the plus strand (C>T on the coding strand, the complement: CSF3R is on the minus strand). VCF-style: chr1-36471476-G-A. GRCh37 (hg19) VCF-style: chr1-36937077-G-A.
Other names: c.1242C>T, p.Ala414= (NM_156039.3, NM_172313.3).
Identifiers: ClinVar variation 765695 (VCV000765695.12), dbSNP rs146435131, ClinGen allele CA769255.
Genomic context (GRCh38, chr1:36,471,476, plus strand): 5'-CTGCCAGCCCCCTTTACCTCTGCTTTCTGAGAAGACCACCGGAGTGGGACGAGAGGTCCC[G>A]GCTGAGTTATAGGCCACAAGGGCCACCTCCTGGGCTTCTGAAGGCAGGTGGAAGGTGCAG-3'
Protein context (NP_000751.1, residues 404-424): QEVALVAYNS[Ala414=]GTSRPTPVVF